The following is an entry in ClinVar:

NM_001849.4(COL6A2):c.1011G>A (p.Gly337=)

Gene: COL6A2 (collagen type VI alpha 2 chain; plus strand). Cytogenetic location: 21q22.3.
Variant type: single nucleotide variant.
Coding change: c.1011G>A on transcript NM_001849.4 (MANE Select); coding-DNA position 1011, G replaced by A.
Protein change: p.Gly337=; no amino-acid change (glycine 337 retained).
Molecular consequence: synonymous variant.
Genome position (GRCh38, 1-based): chr21:46,117,411, G>A. VCF-style: chr21-46117411-G-A. GRCh37 (hg19) VCF-style: chr21-47537325-G-A.
Other names: c.1011G>A, p.Gly337= (NM_058174.3, NM_058175.3).
Identifiers: ClinVar variation 788757 (VCV000788757.33), dbSNP rs760596115, ClinGen allele CA10071630.
Genomic context (GRCh38, chr21:46,117,411, plus strand): 5'-GGACCCCAGAACCCCGCCCTGAGACTCCTCCTGCCCCCTTCTCCTTCAGGGCAAGCTGGG[G>A]CGCATCGGACCTCCTGGCTGCAAGGGAGACCCTGGAAACCGGGTAAGGGCCGTTTGCACC-3'
Protein context (NP_001840.3, residues 327-347): NGTDGQKGKL[Gly337=]RIGPPGCKGD

ClinVar aggregate classification (germline): Likely benign. Review status: criteria provided, multiple submitters, no conflicts (2 of 4 stars). 2 submissions from 2 submitters: Likely benign (2). Last evaluated 2024-03-03.

Conditions:
Bethlem myopathy 1A. Also called: MYOPATHY, BENIGN CONGENITAL, WITH CONTRACTURES; Bethlem myopathy 1; Bethlem Muscular Dystrophy. Identifiers: Orphanet 610, MedGen CN029274, MONDO:0024530, OMIM 158810.

Allele frequency attached by ClinVar (database versions not stated): ExAC 0.00001; gnomAD exomes 0.00001 and 0.00004; gnomAD 0.00002; TOPMed 0.00002.
gnomAD v4.1: 54 of 1,612,712 alleles (0.0033%); highest among the groups gnomAD compares: Non-Finnish European, 0.0045%; no homozygotes.

Submissions (2):

Labcorp Genetics (formerly Invitae), Labcorp
Classification: Likely benign for Bethlem myopathy 1A. Last evaluated: 2024-03-03. Review status: criteria provided, single submitter. Criteria: Invitae Variant Classification Sherloc (09022015). Collection method: clinical testing. Allele origin: germline.

CeGaT Center for Human Genetics Tuebingen
Classification: Likely benign. Last evaluated: 2022-04-01. Review status: criteria provided, single submitter. Criteria: CeGaT Center For Human Genetics Tuebingen Variant Classification Criteria Version 2. Collection method: clinical testing. Allele origin: germline. Affected: yes. Observed: 1 variant allele.
Comment: COL6A2: BP4, BP7